The following is an entry in ClinVar:

ClinVar aggregate classification (germline): Uncertain significance. Review status: criteria provided, multiple submitters, no conflicts (2 of 4 stars). 3 submissions from 3 submitters: Uncertain significance (3). Last evaluated 2025-07-31.

Allele frequency attached by ClinVar (database versions not stated): gnomAD exomes below 0.00001; TOPMed below 0.00001; ESP Exome Variant Server 0.00008.
gnomAD v4.1: 6 of 1,609,104 alleles (0.00037%); highest among the groups gnomAD compares: Admixed American, 0.0017%; no homozygotes.

Submissions (3):

Labcorp Genetics (formerly Invitae), Labcorp
Classification: Uncertain significance. Last evaluated: 2025-07-31. Review status: criteria provided, single submitter. Criteria: Invitae Variant Classification Sherloc (09022015). Collection method: clinical testing. Allele origin: germline.
Comment: This sequence change replaces isoleucine, which is neutral and non-polar, with valine, which is neutral and non-polar, at codon 240 of the RECQL protein (p.Ile240Val). This variant is present in population databases (rs372519604, gnomAD no frequency). This variant has not been reported in the literature in individuals affected with RECQL-related conditions. ClinVar contains an entry for this variant (Variation ID: 1757575). Invitae Evidence Modeling of protein sequence and biophysical properties (such as structural, functional, and spatial information, amino acid conservation, physicochemical variation, residue mobility, and thermodynamic stability) indicates that this missense variant is not expected to disrupt RECQL protein function with a negative predictive value of 80%. In summary, the available evidence is currently insufficient to determine the role of this variant in disease. Therefore, it has been classified as a Variant of Uncertain Significance.

Ambry Genetics
Classification: Uncertain significance. Last evaluated: 2025-01-23. Review status: criteria provided, single submitter. Criteria: Ambry Variant Classification Scheme 2023. Collection method: clinical testing. Allele origin: germline.
Comment: The p.I240V variant (also known as c.718A>G), located in coding exon 6 of the RECQL gene, results from an A to G substitution at nucleotide position 718. The isoleucine at codon 240 is replaced by valine, an amino acid with highly similar properties. This amino acid position is highly conserved in available vertebrate species. In addition, this alteration is predicted to be tolerated by in silico analysis. Since supporting evidence is limited at this time, the clinical significance of this alteration remains unclear.

Blueprint Genetics
Classification: Uncertain significance. Last evaluated: 2021-06-10. Review status: criteria provided, single submitter. Criteria: ACMG Guidelines, 2015. Collection method: clinical testing. Allele origin: germline.

NM_002907.4(RECQL):c.718A>G (p.Ile240Val)

Gene: RECQL (RecQ like helicase; minus strand). Cytogenetic location: 12p12.1.
Variant type: single nucleotide variant.
Coding change: c.718A>G on transcript NM_002907.4 (MANE Select); coding-DNA position 718, A replaced by G.
Protein change: p.Ile240Val; replaces isoleucine 240 with valine.
Molecular consequence: missense variant.
Genome position (GRCh38, 1-based): chr12:21,477,952, T>C on the plus strand (A>G on the coding strand, the complement: RECQL is on the minus strand). VCF-style: chr12-21477952-T-C. GRCh37 (hg19) VCF-style: chr12-21630886-T-C.
Other names: c.718A>G, p.Ile240Val (NM_032941.3); short protein forms I240V.
Identifiers: ClinVar variation 1757575 (VCV001757575.7), dbSNP rs372519604, ClinGen allele CA233571186.